The following is an entry in ClinVar:

NM_023110.3(FGFR1):c.378G>T (p.Glu126Asp)

Gene: FGFR1 (fibroblast growth factor receptor 1; minus strand). Cytogenetic location: 8p11.23.
Variant type: single nucleotide variant.
Coding change: c.378G>T on transcript NM_023110.3 (MANE Select); coding-DNA position 378, G replaced by T.
Protein change: p.Glu126Asp; replaces glutamic acid 126 with aspartic acid.
Molecular consequence: missense variant.
Genome position (GRCh38, 1-based): chr8:38,428,416, C>A on the plus strand (G>T on the coding strand, the complement: FGFR1 is on the minus strand). VCF-style: chr8-38428416-C-A. GRCh37 (hg19) VCF-style: chr8-38285934-C-A.
Other names: c.111G>T, p.Glu37Asp (NM_001354368.2, NM_001354370.2, NM_023105.3 and 2 more transcripts); c.378G>T, p.Glu126Asp (NM_001354369.2, NM_015850.4, NM_001174063.2 and 2 more transcripts); c.354G>T, p.Glu118Asp (NM_001174064.2); c.477G>T, p.Glu159Asp (NM_001174067.2); short protein forms E118D, E126D, E159D, E37D.
Identifiers: ClinVar variation 1306434 (VCV001306434.4), dbSNP rs758823379, ClinGen allele CA4718766.

ClinVar aggregate classification (germline): Uncertain significance. Review status: criteria provided, multiple submitters, no conflicts (2 of 4 stars). 3 submissions from 3 submitters: Uncertain significance (3). Last evaluated 2025-07-21.

Conditions:
Pfeiffer syndrome (ACS5). Also called: ACS V. Identifiers: Orphanet 710, MedGen C0220658, MONDO:0007043, OMIM 101600.
Hypogonadotropic hypogonadism 2 with or without anosmia (HH2). Also called: HYPOGONADOTROPIC HYPOGONADISM 2 WITH OR WITHOUT ANOSMIA, SUSCEPTIBILITY TO; HYPOGONADOTROPIC HYPOGONADISM 2 WITHOUT ANOSMIA, SUSCEPTIBILITY TO; FGFR1-Related GnRH Deficiency (Kallmann Syndrome 2); HYPOGONADOTROPIC HYPOGONADISM 2 WITHOUT ANOSMIA. Identifiers: Orphanet 478, MedGen C1563720, MONDO:0007844, OMIM 147950. Disease mechanism: loss of function.
Hartsfield-Bixler-Demyer syndrome (HRTFDS). Also called: Holoprosencephaly, ectrodactyly, and bilateral cleft lip/palate; Hartsfield syndrome; FGFR1-Related Hartsfield Syndrome. Identifiers: Orphanet 2117, MedGen C1845146, MONDO:0014196, OMIM 615465. Disease mechanism: loss of function.
Trigonocephaly 1 (TRIGNO1). Identifiers: Orphanet 3366, MedGen C0432122, MONDO:0008603, OMIM 190440.
Jackson-Weiss syndrome (JWS). Also called: CRANIOSYNOSTOSIS, MIDFACIAL HYPOPLASIA, AND FOOT ABNORMALITIES. Identifiers: Orphanet 1540, MedGen C0795998, MONDO:0007400, OMIM 123150. Disease mechanism: loss of function.
Encephalocraniocutaneous lipomatosis (ECCL). Identifiers: Orphanet 2396, MedGen C0406612, MONDO:0013074, OMIM 613001.
Osteoglophonic dysplasia (OGD). Also called: Osteoglophonic dwarfism. Identifiers: Orphanet 2645, MedGen C0432283, MONDO:0008150, OMIM 166250.

Allele frequency attached by ClinVar (database versions not stated): gnomAD exomes 0.00001; ExAC 0.00002; TOPMed 0.00005; gnomAD 0.00003 and 0.00004.
gnomAD v4.1: 11 of 1,613,304 alleles (0.00068%); highest among the groups gnomAD compares: African/African-American, 0.015%; no homozygotes.

Submissions (3):

Labcorp Genetics (formerly Invitae), Labcorp
Classification: Uncertain significance for Pfeiffer syndrome; Hypogonadotropic hypogonadism 2 with or without anosmia. Last evaluated: 2025-07-21. Review status: criteria provided, single submitter. Criteria: Invitae Variant Classification Sherloc (09022015). Collection method: clinical testing. Allele origin: germline.
Comment: This sequence change replaces glutamic acid, which is acidic and polar, with aspartic acid, which is acidic and polar, at codon 126 of the FGFR1 protein (p.Glu126Asp). This variant is present in population databases (rs758823379, gnomAD 0.01%). This variant has not been reported in the literature in individuals affected with FGFR1-related conditions. ClinVar contains an entry for this variant (Variation ID: 1306434). Invitae Evidence Modeling of protein sequence and biophysical properties (such as structural, functional, and spatial information, amino acid conservation, physicochemical variation, residue mobility, and thermodynamic stability) has been performed for this missense variant. However, the output from this modeling did not meet the statistical confidence thresholds required to predict the impact of this variant on FGFR1 protein function. In summary, the available evidence is currently insufficient to determine the role of this variant in disease. Therefore, it has been classified as a Variant of Uncertain Significance.

Fulgent Genetics
Classification: Uncertain significance for Pfeiffer syndrome; Jackson-Weiss syndrome; Hypogonadotropic hypogonadism 2 with or without anosmia; Osteoglophonic dysplasia; Trigonocephaly 1; Encephalocraniocutaneous lipomatosis; Hartsfield-Bixler-Demyer syndrome. Last evaluated: 2024-04-29. Review status: criteria provided, single submitter. Criteria: ACMG Guidelines, 2015. Collection method: clinical testing. Allele origin: germline.

GeneDx
Classification: Uncertain significance. Last evaluated: 2019-06-07. Review status: criteria provided, single submitter. Criteria: GeneDx Variant Classification Process June 2021. Collection method: clinical testing. Allele origin: germline. Affected: yes.
Comment: In silico analysis, which includes protein predictors and evolutionary conservation, supports that this variant does not alter protein structure/function; Has not been previously published as pathogenic or benign to our knowledge